The following is an entry in ClinVar:

ClinVar aggregate classification (germline): Uncertain significance. Review status: criteria provided, multiple submitters, no conflicts (2 of 4 stars). 2 submissions from 2 submitters: Uncertain significance (2). Last evaluated 2025-10-02.

Conditions:
Inborn genetic diseases. Identifiers: MedGen C0950123, MeSH D030342.

Allele frequency attached by ClinVar (database versions not stated): gnomAD 0.00001.

Submissions (2):

Ambry Genetics
Classification: Uncertain significance for Inborn genetic diseases. Last evaluated: 2025-10-02. Review status: criteria provided, single submitter. Criteria: Ambry Variant Classification Scheme 2023. Collection method: clinical testing. Allele origin: germline.

Labcorp Genetics (formerly Invitae), Labcorp
Classification: Uncertain significance. Last evaluated: 2024-10-28. Review status: criteria provided, single submitter. Criteria: Invitae Variant Classification Sherloc (09022015). Collection method: clinical testing. Allele origin: germline.
Comment: This sequence change replaces methionine with threonine at codon 128 of the LCT protein (p.Met128Thr). The methionine residue is weakly conserved and there is a moderate physicochemical difference between methionine and threonine. The frequency data for this variant in the population databases is considered unreliable, as metrics indicate poor data quality at this position in the gnomAD database. This variant has not been reported in the literature in individuals affected with LCT-related conditions. ClinVar contains an entry for this variant (Variation ID: 1375000). An algorithm developed to predict the effect of missense changes on protein structure and function (PolyPhen-2) suggests that this variant¬†is likely to be tolerated. In summary, the available evidence is currently insufficient to determine the role of this variant in disease. Therefore, it has been classified as a Variant of Uncertain Significance.

NM_002299.4(LCT):c.383T>C (p.Met128Thr)

Gene: LCT (lactase; minus strand). Cytogenetic location: 2q21.3.
Variant type: single nucleotide variant.
Coding change: c.383T>C on transcript NM_002299.4 (MANE Select); coding-DNA position 383, T replaced by C.
Protein change: p.Met128Thr; replaces methionine 128 with threonine.
Molecular consequence: missense variant.
Genome position (GRCh38, 1-based): chr2:135,836,787, A>G on the plus strand (T>C on the coding strand, the complement: LCT is on the minus strand). VCF-style: chr2-135836787-A-G. GRCh37 (hg19) VCF-style: chr2-136594357-A-G.
Other names: c.383T>C (NM_002299.2); short protein forms M128T.
Identifiers: ClinVar variation 1375000 (VCV001375000.6), dbSNP rs1335369697, ClinGen allele CA348609450.